The following is an entry in ClinVar:

NM_001195518.2(MICU1):c.538-1132dup

Gene: MICU1 (mitochondrial calcium uptake 1; minus strand). Cytogenetic location: 10q22.1.
Variant type: Duplication.
Coding change: c.538-1132dup on transcript NM_001195518.2 (MANE Select); 1132 bases into the intron before coding-DNA position 538, one base duplicated (A; older notation c.538-1132dupA).
Molecular consequence: intron variant. On other transcripts: frameshift variant (2).
Genome position (GRCh38, 1-based): chr10:72,509,401, T duplicated on the plus strand (A on the coding strand, the reverse complement: MICU1 is on the minus strand). VCF-style (leftmost placement, unchanged base first): chr10-72509400-C-CT. GRCh37 (hg19) VCF-style: chr10-74269158-C-CT.
Other names: c.552dup, p.Glu185fs (NM_001363513.2); c.540dup, p.Glu181fs (NM_006077.4); c.58+14401dup (NM_001195519.2); short protein forms E185fs, E181fs.
Identifiers: ClinVar variation 3669876 (VCV003669876.2).

ClinVar aggregate classification (germline): Pathogenic (1 of 4 stars; one submission).

Submission:

Labcorp Genetics (formerly Invitae), Labcorp
Classification: Pathogenic. Last evaluated: 2024-07-31. Review status: criteria provided, single submitter. Criteria: Invitae Variant Classification Sherloc (09022015). Collection method: clinical testing. Allele origin: germline.
Comment: This sequence change creates a premature translational stop signal (p.Glu181Argfs*12) in the MICU1 gene. It is expected to result in an absent or disrupted protein product. Loss-of-function variants in MICU1 are known to be pathogenic (PMID: 24336167). This variant is present in population databases (rs766473471, gnomAD 0.003%). This variant has not been reported in the literature in individuals affected with MICU1-related conditions. For these reasons, this variant has been classified as Pathogenic.

Literature cited by the submitters: PubMed 24336167.